The following is an entry in ClinVar:

NM_002653.5(PITX1):c.158C>T (p.Thr53Met)

Genes: PITX1 (paired like homeodomain 1; minus strand), PITX1-AS1 (PITX1 antisense RNA 1; plus strand). Cytogenetic location: 5q31.1.
Variant type: single nucleotide variant.
Coding change: c.158C>T on transcript NM_002653.5 (MANE Select); coding-DNA position 158, C replaced by T.
Protein change: p.Thr53Met; replaces threonine 53 with methionine.
Molecular consequence: missense variant.
Genome position (GRCh38, 1-based): chr5:135,033,724, G>A on the plus strand (C>T on the coding strand, the complement: PITX1 is on the minus strand). VCF-style: chr5-135033724-G-A. GRCh37 (hg19) VCF-style: chr5-134369414-G-A.
Other names: c.158C>T (NM_002653.4); short protein forms T53M.
Identifiers: ClinVar variation 1701768 (VCV001701768.2), dbSNP rs777634577, ClinGen allele CA3417711.

ClinVar aggregate classification (germline): Uncertain significance. Review status: criteria provided, multiple submitters, no conflicts (2 of 4 stars). 2 submissions from 2 submitters: Uncertain significance (2). Last evaluated 2025-02-06.

Conditions:
Clubfoot. Also called: Club foot; CLUBFOOT, CONGENITAL, WITH OR WITHOUT DEFICIENCY OF LONG BONES AND/OR MIRROR-IMAGE POLYDACTYLY; Clubfeet; Talipes equinovarus; congenital talipes equinovarus. Identifiers: Orphanet 199315, MedGen C0009081, MONDO:0007342, OMIM 119800, HP:0001762.

Allele frequency attached by ClinVar (database versions not stated): gnomAD 0.00001; gnomAD exomes 0.00001 and 0.00005; ExAC 0.00004; TOPMed 0.00004.

Submissions (2):

Ambry Genetics
Classification: Uncertain significance. Last evaluated: 2025-02-06. Review status: criteria provided, single submitter. Criteria: Ambry Variant Classification Scheme 2023. Collection method: clinical testing. Allele origin: germline.

New York Genome Center
Classification: Uncertain significance for Clubfoot. Last evaluated: 2021-08-20. Review status: criteria provided, single submitter. Criteria: NYGC Assertion Criteria 2020. Collection method: clinical testing. Allele origin: inherited. Observed: 1 heterozygote. Study: CSER-NYCKidSeq.
Comment: The inherited heterozygous c.158C>T (p.Thr53Met) missense variant identified in the PITX1 gene has not been reported in affected individuals in the literature. The variant has 0.00001315 allele frequency in the gnomAD (v3) database (2 out of 152104 heterozygous alleles, no homozygotes) suggesting it is not a common benign variant in the populations represented in that database. This variant has not been reported in the ClinVar database. This variant affects an evolutionarily conserved threonine residue [Thr53]. In silico tools provide conflicting predictions about potential pathogenicity of this variant (CADD score =26.2, REVEL score = 0.404). Due to the lack of compelling evidence for its pathogenicity, the heterozygous c.158C>T (p.Thr53Met) missense variant identified in the PITX1 gene is reported as a Variant of Uncertain Significance.